The following is an entry in ClinVar:

NM_018648.4(NOP10):c.89C>A (p.Ala30Asp)

Gene: NOP10 (NOP10 ribonucleoprotein; minus strand). Cytogenetic location: 15q14.
Variant type: single nucleotide variant.
Coding change: c.89C>A on transcript NM_018648.4 (MANE Select); coding-DNA position 89, C replaced by A.
Protein change: p.Ala30Asp; replaces alanine 30 with aspartic acid.
Molecular consequence: missense variant.
Genome position (GRCh38, 1-based): chr15:34,342,074, G>T on the plus strand (C>A on the coding strand, the complement: NOP10 is on the minus strand). VCF-style: chr15-34342074-G-T. GRCh37 (hg19) VCF-style: chr15-34634275-G-T.
Other names: short protein forms A30D.
Identifiers: ClinVar variation 1018359 (VCV001018359.6), dbSNP rs748193565, ClinGen allele CA391622169.
Genomic context (GRCh38, chr15:34,342,074, plus strand): 5'-TTCTTGATGGTGATTCGGTGTCGAGAGTATTTGTCATCTGGGGAGAACCGAGCAGGATGG[G>T]CTGAGCAGGTCTGTTGTCCCATCGGGTCAAATTTCTGCTCCAGGAACACAGAATGTATGT-3'
Protein context (NP_061118.1, residues 20-40): FDPMGQQTCS[Ala30Asp]HPARFSPDDK

ClinVar aggregate classification (germline): Uncertain significance (1 of 4 stars; one submission).

Conditions:
Dyskeratosis congenita, autosomal recessive 1. Identifiers: Orphanet 1775, MedGen C1857144, MONDO:0009136, OMIM 224230.

Allele frequency attached by ClinVar (database versions not stated): TOPMed below 0.00001.

Submission:

Labcorp Genetics (formerly Invitae), Labcorp
Classification: Uncertain significance for Dyskeratosis congenita, autosomal recessive 1. Last evaluated: 2022-07-09. Review status: criteria provided, single submitter. Criteria: Invitae Variant Classification Sherloc (09022015). Collection method: clinical testing. Allele origin: germline.
Comment: This sequence change replaces alanine, which is neutral and non-polar, with aspartic acid, which is acidic and polar, at codon 30 of the NOP10 protein (p.Ala30Asp). This variant is present in population databases (no rsID available, gnomAD 0.0009%). This variant has not been reported in the literature in individuals affected with NOP10-related conditions. ClinVar contains an entry for this variant (Variation ID: 1018359). Algorithms developed to predict the effect of missense changes on protein structure and function (SIFT, PolyPhen-2, Align-GVGD) all suggest that this variant is likely to be disruptive. In summary, the available evidence is currently insufficient to determine the role of this variant in disease. Therefore, it has been classified as a Variant of Uncertain Significance.